The following is an entry in ClinVar:

NM_000492.4(CFTR):c.531T>G (p.Ile177Met)

Gene: CFTR (CF transmembrane conductance regulator; plus strand). Cytogenetic location: 7q31.2.
Variant type: single nucleotide variant.
Coding change: c.531T>G on transcript NM_000492.4 (MANE Select); coding-DNA position 531, T replaced by G.
Protein change: p.Ile177Met; replaces isoleucine 177 with methionine.
Molecular consequence: missense variant.
Genome position (GRCh38, 1-based): chr7:117,534,317, T>G. VCF-style: chr7-117534317-T-G. GRCh37 (hg19) VCF-style: chr7-117174371-T-G.
Other names: short protein forms I177M.
Identifiers: ClinVar variation 3231924 (VCV003231924.3), dbSNP rs749151514, ClinGen allele CA4450752.
Genomic context (GRCh38, chr7:117,534,317, plus strand): 5'-CTTTCCATTTTTCTTTTAGACTTTAAAGCTGTCAAGCCGTGTTCTAGATAAAATAAGTAT[T>G]GGACAACTTGTTAGTCTCCTTTCCAACAACCTGAACAAATTTGATGAAGTATGTACCTAT-3'
Protein context (NP_000483.3, residues 167-187): LSSRVLDKIS[Ile177Met]GQLVSLLSNN

ClinVar aggregate classification (germline): Uncertain significance. Review status: criteria provided, multiple submitters, no conflicts (2 of 4 stars). 2 submissions from 2 submitters: Uncertain significance (2). Last evaluated 2024-04-16.

Conditions:
Cystic fibrosis (CF). Also called: MUCOVISCIDOSIS. Identifiers: Orphanet 586, MedGen C0010674, MONDO:0009061, OMIM 219700. Disease mechanism: loss of function.

Allele frequency attached by ClinVar (database versions not stated): ExAC 0.00001.
gnomAD v4.1: 9 of 1,606,000 alleles (0.00056%); highest among the groups gnomAD compares: Non-Finnish European, 0.00068%; no homozygotes.

Submissions (2):

Labcorp Genetics (formerly Invitae), Labcorp
Classification: Uncertain significance for Cystic fibrosis. Last evaluated: 2024-04-16. Review status: criteria provided, single submitter. Criteria: Invitae Variant Classification Sherloc (09022015). Collection method: clinical testing. Allele origin: germline.
Comment: This sequence change replaces isoleucine, which is neutral and non-polar, with methionine, which is neutral and non-polar, at codon 177 of the CFTR protein (p.Ile177Met). This variant is present in population databases (rs749151514, gnomAD 0.0009%). This variant has not been reported in the literature in individuals affected with CFTR-related conditions. Advanced modeling of protein sequence and biophysical properties (such as structural, functional, and spatial information, amino acid conservation, physicochemical variation, residue mobility, and thermodynamic stability) performed at Invitae indicates that this missense variant is not expected to disrupt CFTR protein function with a negative predictive value of 80%. In summary, the available evidence is currently insufficient to determine the role of this variant in disease. Therefore, it has been classified as a Variant of Uncertain Significance.

Ambry Genetics
Classification: Uncertain significance for Cystic fibrosis. Last evaluated: 2024-03-14. Review status: criteria provided, single submitter. Criteria: Ambry Variant Classification Scheme 2023. Collection method: clinical testing. Allele origin: germline.
Comment: The p.I177M variant (also known as c.531T>G), located in coding exon 5 of the CFTR gene, results from a T to G substitution at nucleotide position 531. The isoleucine at codon 177 is replaced by methionine, an amino acid with highly similar properties. This amino acid position is not well conserved in available vertebrate species. In addition, the in silico prediction for this alteration is inconclusive. Based on the available evidence, the clinical significance of this alteration remains unclear.